The following is an entry in ClinVar:

ClinVar aggregate classification (germline): Uncertain significance (1 of 4 stars; one submission).

Submission:

Labcorp Genetics (formerly Invitae), Labcorp
Classification: Uncertain significance. Last evaluated: 2022-01-11. Review status: criteria provided, single submitter. Criteria: Invitae Variant Classification Sherloc (09022015). Collection method: clinical testing. Allele origin: germline.
Comment: In summary, the available evidence is currently insufficient to determine the role of this variant in disease. Therefore, it has been classified as a Variant of Uncertain Significance. Algorithms developed to predict the effect of missense changes on protein structure and function (SIFT, PolyPhen-2, Align-GVGD) all suggest that this variant is likely to be tolerated. This variant has not been reported in the literature in individuals affected with POLE-related conditions. This variant is not present in population databases (gnomAD no frequency). This sequence change replaces glycine, which is neutral and non-polar, with arginine, which is basic and polar, at codon 1527 of the POLE protein (p.Gly1527Arg).

NM_006231.4(POLE):c.4579G>C (p.Gly1527Arg)

Gene: POLE (DNA polymerase epsilon, catalytic subunit; minus strand). Cytogenetic location: 12q24.33.
Variant type: single nucleotide variant.
Coding change: c.4579G>C on transcript NM_006231.4 (MANE Select); coding-DNA position 4579, G replaced by C.
Protein change: p.Gly1527Arg; replaces glycine 1527 with arginine.
Molecular consequence: missense variant.
Genome position (GRCh38, 1-based): chr12:132,642,969, C>G on the plus strand (G>C on the coding strand, the complement: POLE is on the minus strand). VCF-style: chr12-132642969-C-G. GRCh37 (hg19) VCF-style: chr12-133219555-C-G.
Other names: short protein forms G1527R.
Identifiers: ClinVar variation 1345160 (VCV001345160.8), dbSNP rs760271332, ClinGen allele CA387379282.